The following is an entry in ClinVar:

ClinVar aggregate classification (germline): Uncertain significance. Review status: criteria provided, multiple submitters, no conflicts (2 of 4 stars). 2 submissions from 2 submitters: Uncertain significance (2). Last evaluated 2024-09-19.

Conditions:
Long QT syndrome (LQTS). Identifiers: MedGen C0023976, MeSH D008133, MONDO:0002442. Disease mechanism: loss of function. Inheritance: Various modes of inheritance.

Submissions (2):

GeneDx
Classification: Uncertain significance. Last evaluated: 2024-09-19. Review status: criteria provided, single submitter. Criteria: GeneDx Variant Classification Process June 2021. Collection method: clinical testing. Allele origin: germline. Affected: yes.
Comment: Frameshift variant predicted to result in abnormal protein length as the last 45 amino acids are replaced with 4 different amino acids; Not observed at significant frequency in large population cohorts (gnomAD); Has not been previously published as pathogenic or benign to our knowledge

Labcorp Genetics (formerly Invitae), Labcorp
Classification: Uncertain significance for Long QT syndrome. Last evaluated: 2022-10-18. Review status: criteria provided, single submitter. Criteria: Invitae Variant Classification Sherloc (09022015). Collection method: clinical testing. Allele origin: germline.
Comment: In summary, the available evidence is currently insufficient to determine the role of this variant in disease. Therefore, it has been classified as a Variant of Uncertain Significance. Experimental studies and prediction algorithms are not available or were not evaluated, and the functional significance of this variant is currently unknown. This variant has not been reported in the literature in individuals affected with CACNA1C-related conditions. This variant is not present in population databases (gnomAD no frequency). This sequence change creates a premature translational stop signal (p.Leu2094Serfs*5) in the CACNA1C gene. While this is not anticipated to result in nonsense mediated decay, it is expected to disrupt the last 45 amino acid(s) of the CACNA1C protein.

NM_000719.7(CACNA1C):c.6280del (p.Leu2094fs)

Genes: CACNA1C (calcium voltage-gated channel subunit alpha1 C; plus strand), CACNA1C-AS1 (CACNA1C antisense RNA 1; minus strand). Cytogenetic location: 12p13.33.
Variant type: Deletion.
Coding change: c.6280del on transcript NM_000719.7 (MANE Select); coding-DNA position 6280, one base deleted (C; older notation c.6280delC).
Protein change: p.Leu2094fs; shifts the reading frame from leucine 2094.
Molecular consequence: frameshift variant.
Genome position (GRCh38, 1-based): chr12:2,691,062, C deleted; the last of 3 consecutive C bases (chr12:2,691,060-2,691,062); deleting any one gives the same sequence. VCF-style (leftmost placement, unchanged base first): chr12-2691059-GC-G. GRCh37 (hg19) VCF-style: chr12-2800225-GC-G.
Other names: c.6280delC, p.Leu2094Serfs (NM_000719.6); c.6424del, p.Leu2142fs (NM_001129827.2); c.6403del, p.Leu2135fs (NM_001129829.2); c.6385del, p.Leu2129fs (NM_001129830.3, NM_001167624.3); c.6364del, p.Leu2122fs (NM_001129831.2); c.6340del, p.Leu2114fs (NM_001129832.2); c.6337del, p.Leu2113fs (NM_001129833.2, NM_001129834.2, NM_001129835.2); c.6331del, p.Leu2111fs (NM_001129836.2); and 8 more; short protein forms L2113fs, L2142fs, L2154fs, L2083fs, L2100fs, L2102fs, L2129fs, L2177fs.
Identifiers: ClinVar variation 2018982 (VCV002018982.5), dbSNP rs2535504403, ClinGen allele CA2580085147.